The following is an entry in ClinVar:

NM_024577.4(SH3TC2):c.644C>T (p.Ser215Phe)

Gene: SH3TC2 (SH3 domain and tetratricopeptide repeats 2; minus strand). Cytogenetic location: 5q32.
Variant type: single nucleotide variant.
Coding change: c.644C>T on transcript NM_024577.4 (MANE Select); coding-DNA position 644, C replaced by T.
Protein change: p.Ser215Phe; replaces serine 215 with phenylalanine.
Molecular consequence: missense variant.
Genome position (GRCh38, 1-based): chr5:149,041,503, G>A on the plus strand (C>T on the coding strand, the complement: SH3TC2 is on the minus strand). VCF-style: chr5-149041503-G-A. GRCh37 (hg19) VCF-style: chr5-148421066-G-A.
Other names: short protein forms S215F.
Identifiers: ClinVar variation 4687389 (VCV004687389.1).

ClinVar aggregate classification (germline): Uncertain significance (1 of 4 stars; one submission).

gnomAD v4.1: 1 of 1,614,042 alleles (0.000062%); highest among the groups gnomAD compares: African/African-American, 0.0013%; no homozygotes.

Submission:

Women's Health and Genetics/Laboratory Corporation of America, LabCorp
Classification: Uncertain significance. Last evaluated: 2025-10-09. Review status: criteria provided, single submitter. Criteria: LabCorp Variant Classification Summary - May 2015. Collection method: clinical testing. Allele origin: germline.
Comment: Variant summary: SH3TC2 c.644C>T (p.Ser215Phe) results in a non-conservative amino acid change in the encoded protein sequence. Algorithms developed to predict the effect of missense changes on protein structure and function are either unavailable or do not agree on the potential impact of this missense change. The variant was absent in 251306 control chromosomes. The available data on variant occurrences in the general population are insufficient to allow any conclusion about variant significance. To our knowledge, no occurrence of c.644C>T in individuals affected with SH3TC2-related conditions and no experimental evidence demonstrating its impact on protein function have been reported. No submitters have cited clinical-significance assessments for this variant to ClinVar. Based on the evidence outlined above, the variant was classified as uncertain significance.